The following is an entry in ClinVar:

NM_000271.5(NPC1):c.2604+3A>G

Gene: NPC1 (NPC intracellular cholesterol transporter 1; minus strand). Cytogenetic location: 18q11.2.
Variant type: single nucleotide variant.
Coding change: c.2604+3A>G on transcript NM_000271.5 (MANE Select); 3 bases into the intron after coding-DNA position 2604, A replaced by G.
Molecular consequence: intron variant.
Genome position (GRCh38, 1-based): chr18:23,540,445, T>C on the plus strand (A>G on the coding strand, the complement: NPC1 is on the minus strand). VCF-style: chr18-23540445-T-C. GRCh37 (hg19) VCF-style: chr18-21120409-T-C.
Identifiers: ClinVar variation 2182786 (VCV002182786.1), dbSNP rs747042784, ClinGen allele CA8913045.
Genomic context (GRCh38, chr18:23,540,445, plus strand): 5'-TGAAAAATGTATTCATCATCAGCTAAAGAAGTTAAAAAAAAAAAAAAAAGGAAGTCATCT[T>C]ACATCTGGCATCGAAAGAGACTGATCCAATCCAATATCTACTTTGTTCAGGACTGCGATG-3'

ClinVar aggregate classification (germline): Uncertain significance (1 of 4 stars; one submission).

Conditions:
Niemann-Pick disease, type C1. Also called: NEUROVISCERAL STORAGE DISEASE WITH VERTICAL SUPRANUCLEAR OPHTHALMOPLEGIA; NIEMANN-PICK DISEASE WITH CHOLESTEROL ESTERIFICATION BLOCK; NIEMANN-PICK DISEASE WITHOUT SPHINGOMYELINASE DEFICIENCY; NIEMANN-PICK DISEASE, CHRONIC NEURONOPATHIC FORM; NIEMANN-PICK DISEASE, VARIANT TYPE C1. Identifiers: Orphanet 646, MedGen C3179455, MONDO:0009757, OMIM 257220.

Allele frequency attached by ClinVar (database versions not stated): gnomAD exomes 0.00002; ExAC 0.00008.
gnomAD v4.1: 26 of 1,569,146 alleles (0.0017%); highest among the groups gnomAD compares: South Asian, 0.022%; no homozygotes.

Submission:

Labcorp Genetics (formerly Invitae), Labcorp
Classification: Uncertain significance for Niemann-Pick disease, type C1. Last evaluated: 2022-08-31. Review status: criteria provided, single submitter. Criteria: Invitae Variant Classification Sherloc (09022015). Collection method: clinical testing. Allele origin: germline.
Comment: This sequence change falls in intron 17 of the NPC1 gene. It does not directly change the encoded amino acid sequence of the NPC1 protein. It affects a nucleotide within the consensus splice site. This variant is present in population databases (rs747042784, gnomAD 0.03%). This variant has not been reported in the literature in individuals affected with NPC1-related conditions. Variants that disrupt the consensus splice site are a relatively common cause of aberrant splicing (PMID: 17576681, 9536098). Algorithms developed to predict the effect of sequence changes on RNA splicing suggest that this variant may disrupt the consensus splice site. In summary, the available evidence is currently insufficient to determine the role of this variant in disease. Therefore, it has been classified as a Variant of Uncertain Significance.

Literature cited by the submitters: PubMed 17576681; PubMed 9536098.